The following is an entry in ClinVar:

ClinVar aggregate classification (germline): Likely benign. Review status: criteria provided, multiple submitters, no conflicts (2 of 4 stars). 2 submissions from 2 submitters: Likely benign (2). Last evaluated 2026-01-13.

Conditions:
Hereditary spastic paraplegia 49 (HSAN9). Also called: Spastic paraplegia 49, autosomal recessive; TECPR2-Related Hereditary Sensory and Autonomic Neuropathy with Intellectual Disability; NEUROPATHY, HEREDITARY SENSORY AND AUTONOMIC, TYPE IX, WITH DEVELOPMENTAL DELAY. Identifiers: Orphanet 320385, MedGen C5190860, MONDO:0014016, OMIM 615031.

Allele frequency attached by ClinVar (database versions not stated): gnomAD exomes 0.00004 and 0.00005; ExAC 0.00006; TOPMed 0.00007; gnomAD 0.00010 and 0.00011.
gnomAD v4.1: 71 of 1,610,978 alleles (0.0044%); highest among the groups gnomAD compares: Admixed American, 0.023%; no homozygotes.

Submissions (2):

Labcorp Genetics (formerly Invitae), Labcorp
Classification: Likely benign for Hereditary spastic paraplegia 49. Last evaluated: 2026-01-13. Review status: criteria provided, single submitter. Criteria: Invitae Variant Classification Sherloc (09022015). Collection method: clinical testing. Allele origin: germline.

CeGaT Center for Human Genetics Tuebingen
Classification: Likely benign. Last evaluated: 2023-06-01. Review status: criteria provided, single submitter. Criteria: CeGaT Center For Human Genetics Tuebingen Variant Classification Criteria Version 2. Collection method: clinical testing. Allele origin: germline. Affected: yes. Observed: 1 variant allele.
Comment: TECPR2: BP4, BP7

NM_014844.5(TECPR2):c.2370C>T (p.Asp790=)

Gene: TECPR2 (tectonin beta-propeller repeat containing 2; plus strand). Cytogenetic location: 14q32.31.
Variant type: single nucleotide variant.
Coding change: c.2370C>T on transcript NM_014844.5 (MANE Select); coding-DNA position 2370, C replaced by T.
Protein change: p.Asp790=; no amino-acid change (aspartic acid 790 retained).
Molecular consequence: synonymous variant.
Genome position (GRCh38, 1-based): chr14:102,435,187, C>T. VCF-style: chr14-102435187-C-T. GRCh37 (hg19) VCF-style: chr14-102901524-C-T.
Other names: c.2370C>T, p.Asp790= (NM_001172631.3).
Identifiers: ClinVar variation 699553 (VCV000699553.35), dbSNP rs775511129, ClinGen allele CA7357898.